The following is an entry in ClinVar:

ClinVar aggregate classification (germline): Uncertain significance. Review status: criteria provided, multiple submitters, no conflicts (2 of 4 stars). 2 submissions from 2 submitters: Uncertain significance (2). Last evaluated 2023-08-01.

Conditions:
Microcephaly, normal intelligence and immunodeficiency (NBS). Also called: BERLIN BREAKAGE SYNDROME; SEEMANOVA SYNDROME II; Immunodeficiency, microcephaly with normal intelligence; Nijmegen breakage syndrome; Microcephaly with normal intelligence immunodeficiency and lymphoreticular malignancies; Nonsyndromal microcephaly autosomal recessive with normal intelligence. Identifiers: Orphanet 647, MedGen C0398791, MONDO:0009623, OMIM 251260.
Hereditary cancer-predisposing syndrome. Also called: Tumor predisposition; Neoplastic Syndromes, Hereditary; Hereditary Cancer Syndrome; Hereditary neoplastic syndrome. Identifiers: Orphanet 140162, MedGen C0027672, MeSH D009386, MONDO:0015356.

Allele frequency attached by ClinVar (database versions not stated): gnomAD exomes below 0.00001; gnomAD 0.00001.
gnomAD v4.1: 4 of 1,613,430 alleles (0.00025%); highest among the groups gnomAD compares: Non-Finnish European, 0.00034%; no homozygotes.

Submissions (2):

Ambry Genetics
Classification: Uncertain significance for Hereditary cancer-predisposing syndrome. Last evaluated: 2023-08-01. Review status: criteria provided, single submitter. Criteria: Ambry Variant Classification Scheme 2023. Collection method: clinical testing. Allele origin: germline.
Comment: The p.E14D variant (also known as c.42A>C), located in coding exon 2 of the NBN gene, results from an A to C substitution at nucleotide position 42. The glutamic acid at codon 14 is replaced by aspartic acid, an amino acid with highly similar properties. This amino acid position is well conserved in available vertebrate species; however, aspartic acid is the reference amino acid in other vertebrate species. In addition, this alteration is predicted to be tolerated by in silico analysis. Since supporting evidence is limited at this time, the clinical significance of this alteration remains unclear.

Labcorp Genetics (formerly Invitae), Labcorp
Classification: Uncertain significance for Microcephaly, normal intelligence and immunodeficiency. Last evaluated: 2020-04-02. Review status: criteria provided, single submitter. Criteria: Invitae Variant Classification Sherloc (09022015). Collection method: clinical testing. Allele origin: germline.
Comment: This sequence change replaces glutamic acid with aspartic acid at codon 14 of the NBN protein (p.Glu14Asp). The glutamic acid residue is moderately conserved and there is a small physicochemical difference between glutamic acid and aspartic acid. This variant is not present in population databases (ExAC no frequency). This variant has not been reported in the literature in individuals with NBN-related conditions. Algorithms developed to predict the effect of missense changes on protein structure and function output the following: SIFT: "Tolerated"; PolyPhen-2: "Benign"; Align-GVGD: "Class C0". The aspartic acid amino acid residue is found in multiple mammalian species, suggesting that this missense change does not adversely affect protein function. These predictions have not been confirmed by published functional studies and their clinical significance is uncertain. In summary, the available evidence is currently insufficient to determine the role of this variant in disease. Therefore, it has been classified as a Variant of Uncertain Significance.

NM_002485.5(NBN):c.42A>C (p.Glu14Asp)

Gene: NBN (nibrin; minus strand). Cytogenetic location: 8q21.3.
Variant type: single nucleotide variant.
Coding change: c.42A>C on transcript NM_002485.5 (MANE Select); coding-DNA position 42, A replaced by C.
Protein change: p.Glu14Asp; replaces glutamic acid 14 with aspartic acid.
Molecular consequence: missense variant. On other transcripts: 5 prime UTR variant (1).
Genome position (GRCh38, 1-based): chr8:89,982,851, T>G on the plus strand (A>C on the coding strand, the complement: NBN is on the minus strand). VCF-style: chr8-89982851-T-G. GRCh37 (hg19) VCF-style: chr8-90995079-T-G.
Other names: c.-255A>C (NM_001024688.3); short protein forms E14D.
Identifiers: ClinVar variation 1060435 (VCV001060435.11), dbSNP rs957561936, ClinGen allele CA371663729.